The following is an entry in ClinVar:

NM_170707.4(LMNA):c.754C>A (p.His252Asn)

Gene: LMNA (lamin A/C; plus strand). Cytogenetic location: 1q22.
Variant type: single nucleotide variant.
Coding change: c.754C>A on transcript NM_170707.4 (MANE Select); coding-DNA position 754, C replaced by A.
Protein change: p.His252Asn; replaces histidine 252 with asparagine.
Molecular consequence: missense variant.
Genome position (GRCh38, 1-based): chr1:156,134,919, C>A. VCF-style: chr1-156134919-C-A. GRCh37 (hg19) VCF-style: chr1-156104710-C-A.
Other names: c.418C>A, p.His140Asn (NM_001257374.3); c.511C>A, p.His171Asn (NM_001282624.2); c.754C>A, p.His252Asn (NM_001282625.2, NM_001282626.2, NM_005572.4 and 1 more transcripts); short protein forms H171N, H252N, H140N.
Identifiers: ClinVar variation 1384323 (VCV001384323.6), dbSNP rs2102881566, ClinGen allele CA342817327.

ClinVar aggregate classification (germline): Uncertain significance (1 of 4 stars; one submission).

Conditions:
Charcot-Marie-Tooth disease type 2. Also called: Charcot-Marie-Tooth type 2. Identifiers: Orphanet 64746, MedGen C0270914, MONDO:0018993.

Submission:

Labcorp Genetics (formerly Invitae), Labcorp
Classification: Uncertain significance for Charcot-Marie-Tooth disease type 2. Last evaluated: 2021-10-03. Review status: criteria provided, single submitter. Criteria: Invitae Variant Classification Sherloc (09022015). Collection method: clinical testing. Allele origin: germline.
Comment: Algorithms developed to predict the effect of missense changes on protein structure and function are either unavailable or do not agree on the potential impact of this missense change (SIFT: "Deleterious"; PolyPhen-2: "Benign"; Align-GVGD: "Class C65"). This sequence change replaces histidine with asparagine at codon 252 of the LMNA protein (p.His252Asn). The histidine residue is highly conserved and there is a small physicochemical difference between histidine and asparagine. This variant is not present in population databases (ExAC no frequency). This variant has not been reported in the literature in individuals affected with LMNA-related conditions. In summary, the available evidence is currently insufficient to determine the role of this variant in disease. Therefore, it has been classified as a Variant of Uncertain Significance.